The following is an entry in ClinVar:

NM_002941.4(ROBO1):c.4465G>A (p.Ala1489Thr)

Gene: ROBO1 (roundabout guidance receptor 1; minus strand). Cytogenetic location: 3p12.3.
Variant type: single nucleotide variant.
Coding change: c.4465G>A on transcript NM_002941.4 (MANE Select); coding-DNA position 4465, G replaced by A.
Protein change: p.Ala1489Thr; replaces alanine 1489 with threonine.
Molecular consequence: missense variant.
Genome position (GRCh38, 1-based): chr3:78,607,012, C>T on the plus strand (G>A on the coding strand, the complement: ROBO1 is on the minus strand). VCF-style: chr3-78607012-C-T. GRCh37 (hg19) VCF-style: chr3-78656162-C-T.
Other names: c.4330G>A, p.Ala1444Thr (NM_001145844.1, NM_133631.4); c.4165G>A, p.Ala1389Thr (NM_001145845.2); short protein forms A1389T, A1444T, A1489T.
Identifiers: ClinVar variation 2507364 (VCV002507364.2), dbSNP rs1324163287, ClinGen allele CA353683732.
Genomic context (GRCh38, chr3:78,607,012, plus strand): 5'-GCACCACTACAGGTCGTACTTCCAGCTGTGTCTTGGATTGGGCAGTAGGTGACTTTATAG[C>T]AGGTGGCGGCACAGGAGGTGGTGGAAGATCTAAAAAGAAACATTAAAAATACTACTGTAA-3'
Protein context (NP_002932.1, residues 1479-1499): DLPPPPVPPP[Ala1489Thr]IKSPTAQSKT

ClinVar aggregate classification (germline): Uncertain significance (1 of 4 stars; one submission).

Allele frequency attached by ClinVar (database versions not stated): TOPMed below 0.00001.
gnomAD v4.1: 1 of 1,612,188 alleles (0.000062%); highest among the groups gnomAD compares: African/African-American, 0.0013%; no homozygotes.

Submission:

GeneDx
Classification: Uncertain significance. Last evaluated: 2023-08-01. Review status: criteria provided, single submitter. Criteria: GeneDx Variant Classification Process June 2021. Collection method: clinical testing. Allele origin: germline. Affected: yes.
Comment: Not observed at significant frequency in large population cohorts (gnomAD); In silico analysis supports that this missense variant does not alter protein structure/function; Has not been previously published as pathogenic or benign to our knowledge